The following is an entry in ClinVar:

NM_000395.3(CSF2RB):c.442T>A (p.Phe148Ile)

Gene: CSF2RB (colony stimulating factor 2 receptor subunit beta; plus strand). Cytogenetic location: 22q12.3.
Variant type: single nucleotide variant.
Coding change: c.442T>A on transcript NM_000395.3 (MANE Select); coding-DNA position 442, T replaced by A.
Protein change: p.Phe148Ile; replaces phenylalanine 148 with isoleucine.
Molecular consequence: missense variant.
Genome position (GRCh38, 1-based): chr22:36,929,452, T>A. VCF-style: chr22-36929452-T-A. GRCh37 (hg19) VCF-style: chr22-37325494-T-A.
Other names: c.442T>A (NM_000395.2); short protein forms F148I.
Identifiers: ClinVar variation 1422295 (VCV001422295.9), dbSNP rs1941100104, ClinGen allele CA411405578.

ClinVar aggregate classification (germline): Uncertain significance. Review status: criteria provided, multiple submitters, no conflicts (2 of 4 stars). 2 submissions from 2 submitters: Uncertain significance (2). Last evaluated 2025-07-27.

Conditions:
Inborn genetic diseases. Identifiers: MedGen C0950123, MeSH D030342.

Allele frequency attached by ClinVar (database versions not stated): gnomAD exomes below 0.00001; TOPMed below 0.00001; gnomAD 0.00001.

Submissions (2):

Labcorp Genetics (formerly Invitae), Labcorp
Classification: Uncertain significance. Last evaluated: 2025-07-27. Review status: criteria provided, single submitter. Criteria: Invitae Variant Classification Sherloc (09022015). Collection method: clinical testing. Allele origin: germline.
Comment: This sequence change replaces phenylalanine, which is neutral and non-polar, with isoleucine, which is neutral and non-polar, at codon 148 of the CSF2RB protein (p.Phe148Ile). This variant is not present in population databases (gnomAD no frequency). This variant has not been reported in the literature in individuals affected with CSF2RB-related conditions. ClinVar contains an entry for this variant (Variation ID: 1422295). Invitae Evidence Modeling of protein sequence and biophysical properties (such as structural, functional, and spatial information, amino acid conservation, physicochemical variation, residue mobility, and thermodynamic stability) indicates that this missense variant is expected to disrupt CSF2RB protein function with a positive predictive value of 80%. In summary, the available evidence is currently insufficient to determine the role of this variant in disease. Therefore, it has been classified as a Variant of Uncertain Significance.

Ambry Genetics
Classification: Uncertain significance for Inborn genetic diseases. Last evaluated: 2024-08-28. Review status: criteria provided, single submitter. Criteria: Ambry Variant Classification Scheme 2023. Collection method: clinical testing. Allele origin: germline.